The following is an entry in ClinVar:

NM_014974.3(DIP2C):c.3299C>G (p.Ala1100Gly)

Genes: DIP2C (DIP2 acetate--CoA ligase C (putative); minus strand), LOC126860805 (BRD4-independent group 4 enhancer GRCh37_chr10:390524-391723; plus strand). Cytogenetic location: 10p15.3.
Variant type: single nucleotide variant.
Coding change: c.3299C>G on transcript NM_014974.3 (MANE Select); coding-DNA position 3299, C replaced by G.
Protein change: p.Ala1100Gly; replaces alanine 1100 with glycine.
Molecular consequence: missense variant.
Genome position (GRCh38, 1-based): chr10:345,043, G>C on the plus strand (C>G on the coding strand, the complement: DIP2C is on the minus strand). VCF-style: chr10-345043-G-C. GRCh37 (hg19) VCF-style: chr10-390983-G-C.
Other names: short protein forms A1100G.
Identifiers: ClinVar variation 5009651 (VCV005009651.1).

ClinVar aggregate classification (germline): Uncertain significance (1 of 4 stars; one submission).

Submission:

GeneDx
Classification: Uncertain significance. Last evaluated: 2026-02-17. Review status: criteria provided, single submitter. Criteria: GeneDx Variant Classification Process June 2021. Collection method: clinical testing. Allele origin: germline.
Comment: Not observed at significant frequency in large population cohorts (gnomAD); In silico analysis suggests that this missense variant does not alter protein structure/function; Has not been previously published as pathogenic or benign to our knowledge